The following is an entry in ClinVar:

NM_144585.4(SLC22A12):c.851G>A (p.Arg284Gln)

Gene: SLC22A12 (solute carrier family 22 member 12; plus strand). Cytogenetic location: 11q13.1.
Variant type: single nucleotide variant.
Coding change: c.851G>A on transcript NM_144585.4 (MANE Select); coding-DNA position 851, G replaced by A.
Protein change: p.Arg284Gln; replaces arginine 284 with glutamine.
Molecular consequence: missense variant.
Genome position (GRCh38, 1-based): chr11:64,598,536, G>A. VCF-style: chr11-64598536-G-A. GRCh37 (hg19) VCF-style: chr11-64366008-G-A.
Other names: c.749G>A, p.Arg250Gln (NM_001276326.2); c.527G>A, p.Arg176Gln (NM_001276327.2); c.188G>A, p.Arg63Gln (NM_153378.3); short protein forms R176Q, R250Q, R63Q, R284Q.
Identifiers: ClinVar variation 2078054 (VCV002078054.1), dbSNP rs946635471, ClinGen allele CA223870859.
Genomic context (GRCh38, chr11:64,598,536, plus strand): 5'-GCCACAGGCAATGACCCCTCCCACGCCCCCTCCACTTAAGGTGGCTGGCAGAGTCGGCAC[G>A]ATGGCTCCTCACCACAGGCAGGCTGGATTGGGGCCTGCAGGAGCTGTGGAGGGTGGCTGC-3'
Protein context (NP_653186.2, residues 274-294): LYSWWLAESA[Arg284Gln]WLLTTGRLDW

ClinVar aggregate classification (germline): Uncertain significance (1 of 4 stars; one submission).

Allele frequency attached by ClinVar (database versions not stated): gnomAD 0.00001; gnomAD exomes 0.00001; TOPMed 0.00009.
gnomAD v4.1: 29 of 1,591,538 alleles (0.0018%); highest among the groups gnomAD compares: African/African-American, 0.0027%; no homozygotes.

Submission:

Labcorp Genetics (formerly Invitae), Labcorp
Classification: Uncertain significance. Last evaluated: 2022-03-18. Review status: criteria provided, single submitter. Criteria: Invitae Variant Classification Sherloc (09022015). Collection method: clinical testing. Allele origin: germline.
Comment: This sequence change replaces arginine, which is basic and polar, with glutamine, which is neutral and polar, at codon 284 of the SLC22A12 protein (p.Arg284Gln). This variant is present in population databases (no rsID available, gnomAD 0.03%). This missense change has been observed in individual(s) with renal hypouricemia (PMID: 31591475). Algorithms developed to predict the effect of missense changes on protein structure and function are either unavailable or do not agree on the potential impact of this missense change (SIFT: "Deleterious"; PolyPhen-2: "Benign"; Align-GVGD: "Class C0"). In summary, the available evidence is currently insufficient to determine the role of this variant in disease. Therefore, it has been classified as a Variant of Uncertain Significance.

Literature cited by the submitters: PubMed 31591475.